The following is an entry in ClinVar:

ClinVar aggregate classification (germline): Likely benign (1 of 4 stars; one submission).

Allele frequency attached by ClinVar (database versions not stated): 1000 Genomes Project 30x 0.00094; 1000 Genomes Project 0.00120; gnomAD 0.00165; ExAC 0.00176; ESP Exome Variant Server 0.00292.
gnomAD v4.1: 3,130 of 1,613,064 alleles (0.19%); highest among the groups gnomAD compares: Admixed American, 0.3%; 8 homozygotes.

Submission:

CeGaT Center for Human Genetics Tuebingen
Classification: Likely benign. Last evaluated: 2024-06-01. Review status: criteria provided, single submitter. Criteria: CeGaT Center For Human Genetics Tuebingen Variant Classification Criteria Version 2. Collection method: clinical testing. Allele origin: germline. Affected: yes. Observed: 1 variant allele.
Comment: ABHD12B: BP4, BS1

NM_001206673.2(ABHD12B):c.958C>T (p.Arg320Cys)

Gene: ABHD12B (abhydrolase domain containing 12B; plus strand). Cytogenetic location: 14q22.1.
Variant type: single nucleotide variant.
Coding change: c.958C>T on transcript NM_001206673.2 (MANE Select); coding-DNA position 958, C replaced by T.
Protein change: p.Arg320Cys; replaces arginine 320 with cysteine.
Molecular consequence: missense variant.
Genome position (GRCh38, 1-based): chr14:50,904,089, C>T. VCF-style: chr14-50904089-C-T. GRCh37 (hg19) VCF-style: chr14-51370807-C-T.
Other names: c.637C>T, p.Arg213Cys (NM_181533.4); c.727C>T, p.Arg243Cys (NM_181814.2); short protein forms R213C, R243C, R320C.
Identifiers: ClinVar variation 3250554 (VCV003250554.18), dbSNP rs149870138.
Genomic context (GRCh38, chr14:50,904,089, plus strand): 5'-CAGCTTTGAATGGCCATCCTTTGAGTCTCTTTCTGTCGCTTGCAGCTCTATGAAATTGCA[C>T]GCAATGCATACAGGAACAAAGAGAGGGTCAAGATGGTTATCTTTCCTCCTGGCTTCCAAC-3'
Protein context (NP_001193602.1, residues 310-330): EYGKKLYEIA[Arg320Cys]NAYRNKERVK